The following is an entry in ClinVar:

NM_000203.5(IDUA):c.1650+5G>A

Gene: IDUA (alpha-L-iduronidase; plus strand). Cytogenetic location: 4p16.3.
Variant type: single nucleotide variant.
Coding change: c.1650+5G>A on transcript NM_000203.5 (MANE Select); 5 bases into the intron after coding-DNA position 1650, G replaced by A.
Molecular consequence: intron variant.
Genome position (GRCh38, 1-based): chr4:1,003,475, G>A. VCF-style: chr4-1003475-G-A. GRCh37 (hg19) VCF-style: chr4-997263-G-A.
Other names: c.1254+5G>A (NM_001363576.1); c.1650+5G>A (NM_000203.4).
Identifiers: ClinVar variation 92634 (VCV000092634.19), dbSNP rs398123256, ClinGen allele CA220504.
Genomic context (GRCh38, chr4:1,003,475, plus strand): 5'-TGCCGTCGCTTTTGCTGGTGCACGTGTGTGCGCGCCCCGAGAAGCCGCCCGGGCAGGCAA[G>A]TGGCAGTCCCCTAACCCGCGCCGCGGCCCGGACTCCCCTTCCCCGACGCCATCACAGCCC-3'

ClinVar aggregate classification (germline): Pathogenic. Review status: reviewed by expert panel (3 of 4 stars). 7 submissions from 7 submitters: Pathogenic (1). 6 of the submissions do not count toward it. Last evaluated 2025-11-03.

Conditions:
Mucopolysaccharidosis type 1. Also called: IDUA deficiency; MPS I; Mucopolysaccharidosis Type I. Identifiers: Orphanet 579, MedGen C0023786, MONDO:0001586.
Hurler syndrome. Also called: Gargoylism, Hurler Syndrome; Severe MPS I (Hurler Syndrome); MUCOPOLYSACCHARIDOSIS TYPE IH. Identifiers: Orphanet 93473, MedGen C0086795, MONDO:0011758, OMIM 607014.

Allele frequency attached by ClinVar (database versions not stated): TOPMed below 0.00001.
gnomAD v4.1: 10 of 1,577,762 alleles (0.00063%); highest among the groups gnomAD compares: Non-Finnish European, 0.00086%; no homozygotes.

Submissions (7):

ClinGen Lysosomal Storage Disorder Variant Curation Expert Panel
Classification: Pathogenic for Mucopolysaccharidosis type 1. Last evaluated: 2025-11-03. Review status: reviewed by expert panel. Criteria: ClinGen LSD ACMG Specifications IDUA V1.1.0. Collection method: curation. Allele origin: germline. Inheritance: Autosomal recessive inheritance.
Comment: NM_000203.5(IDUA): c.1650+5G>A variant in IDUA occurs within the canonical splice donor site of intron 11. The in-silico predictor, SpliceAI predicts loss of the donor splice site (score = 0.80) and loss of the acceptor splice site (score = 0.47) (PP3). One publication (PMID: 35629276) states this single nucleotide change leads to exon 11 skipping and, when present in homozygosity or compound heterozygosity (results not shown). This variant has been reported in at least 7 MPS I probands (PMIDs: 21480867, 29976218, 26446585, 24480078, 35141277, 32188113, 19954743, 31194252, 12203999, 19396826). One homozygous patient has a severe phenotype with 0,01 DBS IdA activity (PMID: 35141277: PM3, 0.5 points). Six are compound heterozygous for this variant and a second variant that has been classified as pathogenic or likely pathogenic by the ClinGen Lysosomal Diseases VCEP including c.208C>T (p.Gln70Ter) (PMID: 35141277, 32188113, 19396826: PM3, 4 patients, phase unknown, 2 point), c.1205G>A (p.Trp402Ter) (PMID: 19954743, 31194252, 12203999, 19396826, PM3, 2 patients, phase confirmed, 2 points), c.1614del (p.His539fs)(PMID: 19396826: PM3, 1 patient, phase unknown, 0.5 point). 4.5 points (PM3_VeryStrong). DQ 115 at 5y, dysostosis multiplex, corneal clouding. The highest population minor allele frequency in gnomAD v4.1 is 0.00000855 (10/1168416 alleles) in the European (non-Finnish) genetic ancestry group; this is lower than the ClinGen Lysosomal Diseases VCEP’s threshold for PM2_Supporting (<0.00025), due to which we can apply PM2_Supporting. ClinVar has four submissions, two pathogenic and two likely pathogenic for this variant. There is a ClinVar entry for this variant (Variant ID: 92634). In summary, this variant meets the criteria to be classified as Pathogenic for MPS I based on the IDUA-specific ACMG/AMP criteria applied, as specified by the ClinGen Lysosomal Disease Variant Curation Expert Panel (specifications version 1.1.0): PM3_VeryStrong, PP4_Moderate, PP3, PM2_Supporting. (Classification approved by the ClinGen Lysosomal Disease Variant Curation Expert Panel on November 3, 2025)

Natera, Inc.
Classification: Pathogenic for Mucopolysaccharidosis type I. Last evaluated: 2025-08-01. Review status: criteria provided, single submitter. Criteria: Natera Variant Classification Schema (03/2026). Collection method: clinical testing. Allele origin: germline. Not counted in ClinVar's aggregate classification.
Comment: The c.1650+5G>A variant in IDUA is an intronic variant located outside the canonical splice sites. This variant is rare in the general population with a frequency below the threshold expected for the associated phenotype(s). This variant has been observed in one or more individuals affected with the associated recessive disease, as either homozygous or compound heterozygous with a second variant (PMID: 35141277, 21394825). Computational prediction algorithms indicate this variant is likely to affect gene or protein function. Given the available evidence, this variant is classified as Pathogenic.

Revvity Omics, Revvity
Classification: Pathogenic. Last evaluated: 2024-05-13. Review status: criteria provided, single submitter. Criteria: ACMG Guidelines, 2015. Collection method: clinical testing. Allele origin: germline. Not counted in ClinVar's aggregate classification.

Labcorp Genetics (formerly Invitae), Labcorp
Classification: Pathogenic for Mucopolysaccharidosis type 1. Last evaluated: 2023-04-23. Review status: criteria provided, single submitter. Criteria: Invitae Variant Classification Sherloc (09022015). Collection method: clinical testing. Allele origin: germline. Not counted in ClinVar's aggregate classification.
Comment: This sequence change falls in intron 11 of the IDUA gene. It does not directly change the encoded amino acid sequence of the IDUA protein. It affects a nucleotide within the consensus splice site. This variant is not present in population databases (gnomAD no frequency). This variant has been observed in individual(s) with mucopolysaccharidosis type I (PMID: 12203999, 19396826, 21394825). In at least one individual the data is consistent with being in trans (on the opposite chromosome) from a pathogenic variant. This variant is also known as IVS11+5G>A. ClinVar contains an entry for this variant (Variation ID: 92634). Variants that disrupt the consensus splice site are a relatively common cause of aberrant splicing (PMID: 17576681, 9536098). Algorithms developed to predict the effect of sequence changes on RNA splicing suggest that this variant may disrupt the consensus splice site. For these reasons, this variant has been classified as Pathogenic.

Eurofins Ntd Llc (ga)
Classification: Pathogenic. Last evaluated: 2012-12-06. Review status: criteria provided, single submitter. Criteria: EGL Classification Definitions. Collection method: clinical testing. Allele origin: germline. Observed: 1 variant allele, 1 heterozygote. Not counted in ClinVar's aggregate classification.

Kariminejad - Najmabadi Pathology & Genetics Center
Classification: Likely pathogenic for Hurler syndrome. Review status: criteria provided, single submitter. Criteria: ACMG Guidelines, 2015. Collection method: clinical testing. Allele origin: germline. Affected: no. Not counted in ClinVar's aggregate classification.

Counsyl
Classification: Likely pathogenic for Hurler syndrome. Last evaluated: 2017-08-03. Review status: no assertion criteria provided. Collection method: clinical testing. Allele origin: unknown. Not counted in ClinVar's aggregate classification.

Literature cited by the submitters: PubMed 35141277 (cited by Natera, Inc.); PubMed 21394825 (cited by 3 submitters); PubMed 12203999 (cited by Labcorp Genetics (formerly Invitae), Labcorp and Counsyl); PubMed 19396826 (cited by Labcorp Genetics (formerly Invitae), Labcorp and Counsyl); PubMed 17576681 (cited by Labcorp Genetics (formerly Invitae), Labcorp); PubMed 9536098 (cited by Labcorp Genetics (formerly Invitae), Labcorp).